The following is an entry in ClinVar:

NM_000051.4(ATM):c.5536A>G (p.Ile1846Val)

Gene: ATM (ATM serine/threonine kinase; plus strand). Cytogenetic location: 11q22.3.
Variant type: single nucleotide variant.
Coding change: c.5536A>G on transcript NM_000051.4 (MANE Select); coding-DNA position 5536, A replaced by G.
Protein change: p.Ile1846Val; replaces isoleucine 1846 with valine.
Molecular consequence: missense variant.
Genome position (GRCh38, 1-based): chr11:108,304,714, A>G. VCF-style: chr11-108304714-A-G. GRCh37 (hg19) VCF-style: chr11-108175441-A-G.
Other names: p.I1846V:ATT>GTT; c.5536A>G, p.Ile1846Val (NM_001351834.2); short protein forms I1846V.
Identifiers: ClinVar variation 127409 (VCV000127409.14), dbSNP rs587779849, ClinGen allele CA286897.

ClinVar aggregate classification (germline): Uncertain significance. Review status: criteria provided, multiple submitters, no conflicts (2 of 4 stars). 3 submissions from 3 submitters: Uncertain significance (3). Last evaluated 2024-12-02.

Conditions:
Hereditary cancer-predisposing syndrome. Also called: Tumor predisposition; Hereditary Cancer Syndrome; Neoplastic Syndromes, Hereditary; Hereditary neoplastic syndrome. Identifiers: Orphanet 140162, MedGen C0027672, MeSH D009386, MONDO:0015356.
Ataxia-telangiectasia syndrome (AT). Also called: LOUIS-BAR SYNDROME; Cerebello-oculocutaneous telangiectasia; Immunodeficiency with ataxia telangiectasia; ATAXIA-TELANGIECTASIA, COMPLEMENTATION GROUP A; ATAXIA-TELANGIECTASIA, FRESNO VARIANT; Ataxia-telangiectasia. Identifiers: Orphanet 100, MedGen C0004135, MONDO:0008840, OMIM 208900.

Allele frequency attached by ClinVar (database versions not stated): gnomAD 0.00001; TOPMed 0.00002.
gnomAD v4.1: 1 of 1,613,928 alleles (0.000062%); highest among the groups gnomAD compares: African/African-American, 0.0013%; no homozygotes.

Submissions (3):

Ambry Genetics
Classification: Uncertain significance for Hereditary cancer-predisposing syndrome. Last evaluated: 2024-12-02. Review status: criteria provided, single submitter. Criteria: Ambry Variant Classification Scheme 2023. Collection method: clinical testing. Allele origin: germline.
Comment: The p.I1846V variant (also known as c.5536A>G), located in coding exon 36 of the ATM gene, results from an A to G substitution at nucleotide position 5536. The isoleucine at codon 1846 is replaced by valine, an amino acid with highly similar properties. This amino acid position is well conserved in available vertebrate species. In addition, this alteration is predicted to be tolerated by in silico analysis. Based on the available evidence, the clinical significance of this variant remains unclear.

Labcorp Genetics (formerly Invitae), Labcorp
Classification: Uncertain significance for Ataxia-telangiectasia syndrome. Last evaluated: 2023-07-16. Review status: criteria provided, single submitter. Criteria: Invitae Variant Classification Sherloc (09022015). Collection method: clinical testing. Allele origin: germline.
Comment: In summary, the available evidence is currently insufficient to determine the role of this variant in disease. Therefore, it has been classified as a Variant of Uncertain Significance. An algorithm developed to predict the effect of missense changes on protein structure and function (PolyPhen-2) suggests that this variant is likely to be tolerated. ClinVar contains an entry for this variant (Variation ID: 127409). This variant has not been reported in the literature in individuals affected with ATM-related conditions. This variant is not present in population databases (gnomAD no frequency). This sequence change replaces isoleucine, which is neutral and non-polar, with valine, which is neutral and non-polar, at codon 1846 of the ATM protein (p.Ile1846Val).

GeneDx
Classification: Uncertain significance. Last evaluated: 2018-02-12. Review status: criteria provided, single submitter. Criteria: GeneDx Variant Classification (06012015). Collection method: clinical testing. Allele origin: germline. Affected: yes.
Comment: This variant is denoted ATM c.5536A>G at the cDNA level, p.Ile1846Val (I1846V) at the protein level, and results in the change of an Isoleucine to a Valine (ATT>GTT). This variant has not, to our knowledge, been published in the literature as pathogenic or benign. ATM Ile1846Val was not observed in large population cohorts (Lek 2016). This variant is not located in a known functional domain. In silico analysis, which includes protein predictors and evolutionary conservation, supports that this variant does not alter protein structure/function. Based on currently available evidence, it is unclear whether ATM Ile1846Val is a pathogenic or benign variant. We consider it to be a variant of uncertain significance.